The following is an entry in ClinVar:

NM_001271.4(CHD2):c.4776A>G (p.Ile1592Met)

Gene: CHD2 (chromodomain helicase DNA binding protein 2; plus strand). Cytogenetic location: 15q26.1.
Variant type: single nucleotide variant.
Coding change: c.4776A>G on transcript NM_001271.4 (MANE Select); coding-DNA position 4776, A replaced by G.
Protein change: p.Ile1592Met; replaces isoleucine 1592 with methionine.
Molecular consequence: missense variant.
Genome position (GRCh38, 1-based): chr15:93,014,779, A>G. VCF-style: chr15-93014779-A-G. GRCh37 (hg19) VCF-style: chr15-93558009-A-G.
Other names: short protein forms I1592M.
Identifiers: ClinVar variation 512745 (VCV000512745.1), dbSNP rs751608236, ClinGen allele CA7748555.
Genomic context (GRCh38, chr15:93,014,779, plus strand): 5'-GACTGGGGGTAAGAAACCATTTCGTCCAGAGGCCTCAGGCTCCAGCCGGGACTCTCTGAT[A>G]TCTCAGTCCCATACCTCACACAACCTTCACCCTCAGAAGCCTCATTTGCCTGCCTCCCAT-3'
Protein context (NP_001262.3, residues 1582-1602): EASGSSRDSL[Ile1592Met]SQSHTSHNLH

ClinVar aggregate classification (germline): Likely benign (1 of 4 stars; one submission).

Allele frequency attached by ClinVar (database versions not stated): ExAC 0.00002; gnomAD 0.00003; gnomAD exomes 0.00001.

Submission:

GeneDx
Classification: Likely benign. Last evaluated: 2017-10-19. Review status: criteria provided, single submitter. Criteria: GeneDx Variant Classification (06012015). Collection method: clinical testing. Allele origin: germline. Affected: yes.
Comment: This variant is considered likely benign or benign based on one or more of the following criteria: it is a conservative change, it occurs at a poorly conserved position in the protein, it is predicted to be benign by multiple in silico algorithms, and/or has population frequency not consistent with disease.